The following is an entry in ClinVar:

NM_033225.6(CSMD1):c.10314+1G>A

Genes: CSMD1 (CUB and Sushi multiple domains 1; minus strand), LOC105377785 (uncharacterized LOC105377785; plus strand). Cytogenetic location: 8p23.2.
Variant type: single nucleotide variant.
Coding change: c.10314+1G>A on transcript NM_033225.6 (MANE Select); the canonical splice donor site of the intron after coding-DNA position 10314, G replaced by A.
Molecular consequence: splice donor variant.
Genome position (GRCh38, 1-based): chr8:2,950,230, C>T on the plus strand (G>A on the coding strand, the complement: CSMD1 is on the minus strand). VCF-style: chr8-2950230-C-T. GRCh37 (hg19) VCF-style: chr8-2807752-C-T.
Identifiers: ClinVar variation 2632339 (VCV002632339.1), dbSNP rs2486486214, ClinGen allele CA369963594.

ClinVar aggregate classification (germline): Uncertain significance (1 of 4 stars; one submission).

Conditions:
CSMD1-related disorder. Also called: CSMD1-related condition.

Allele frequency attached by ClinVar (database versions not stated): gnomAD exomes below 0.00001.
gnomAD v4.1: 1 of 1,573,670 alleles (0.000064%); highest among the groups gnomAD compares: Non-Finnish European, 0.000087%; no homozygotes.

Submission:

PreventionGenetics, part of Exact Sciences
Classification: Uncertain significance for CSMD1-related condition. Last evaluated: 2023-07-31. Review status: criteria provided, single submitter. Criteria: ACMG Guidelines, 2015. Collection method: clinical testing. Allele origin: germline.
Comment: The CSMD1 c.10314+1G>A variant is predicted to disrupt the GT donor site and interfere with normal splicing. To our knowledge, this variant has not been reported in the literature or in a large population database, indicating this variant is rare. To date, limited evidence has been published on the role of variants predicted to interfere with splicing in CSMD1 in neurodevelopmental disorders. Therefore, although we suspect that this variant may possibly be pathogenic, at this time its clinical significance is uncertain due to the absence of conclusive functional and genetic evidence.